The following is an entry in ClinVar:

NM_001042492.3(NF1):c.6208G>T (p.Glu2070Ter)

Gene: NF1 (neurofibromin 1; plus strand). Cytogenetic location: 17q11.2.
Variant type: single nucleotide variant.
Coding change: c.6208G>T on transcript NM_001042492.3 (MANE Select); coding-DNA position 6208, G replaced by T.
Protein change: p.Glu2070Ter; replaces glutamic acid 2070 with a stop codon.
Molecular consequence: nonsense.
Genome position (GRCh38, 1-based): chr17:31,336,695, G>T. VCF-style: chr17-31336695-G-T. GRCh37 (hg19) VCF-style: chr17-29663713-G-T.
Other names: c.6145G>T, p.Glu2049Ter (NM_000267.4); short protein forms E2049*, E2070*.
Identifiers: ClinVar variation 3641819 (VCV003641819.2).

ClinVar aggregate classification (germline): Pathogenic (1 of 4 stars; one submission).

Conditions:
Neurofibromatosis, type 1 (NF1). Also called: Peripheral type neurofibromatosis; VON RECKLINGHAUSEN DISEASE; Neurofibromatosis, type I; NEUROFIBROMATOSIS, TYPE I, SOMATIC. Identifiers: Orphanet 636, MedGen C0027831, MONDO:0018975, OMIM 162200. Disease mechanism: loss of function.

Submission:

Labcorp Genetics (formerly Invitae), Labcorp
Classification: Pathogenic for Neurofibromatosis, type 1. Last evaluated: 2024-02-18. Review status: criteria provided, single submitter. Criteria: Invitae Variant Classification Sherloc (09022015). Collection method: clinical testing. Allele origin: germline.
Comment: This sequence change creates a premature translational stop signal (p.Glu2049*) in the NF1 gene. It is expected to result in an absent or disrupted protein product. Loss-of-function variants in NF1 are known to be pathogenic (PMID: 10712197, 23913538). This variant is not present in population databases (gnomAD no frequency). This variant has not been reported in the literature in individuals affected with NF1-related conditions. Algorithms developed to predict the effect of sequence changes on RNA splicing suggest that this variant may disrupt the consensus splice site. For these reasons, this variant has been classified as Pathogenic.

Literature cited by the submitters: PubMed 10712197; PubMed 23913538.